The following continues an entry in ClinVar:

NM_007294.4(BRCA1):c.5431C>T (p.Gln1811Ter)

Gene: BRCA1. ClinVar aggregate classification (germline): Pathogenic. Pathogenic (1).

Submissions 12 to 20 of 20:

Women's Health and Genetics/Laboratory Corporation of America, LabCorp
Classification: Pathogenic for Hereditary breast and ovarian cancer syndrome. Last evaluated: 2018-04-30. Review status: criteria provided, single submitter. Criteria: LabCorp Variant Classification Summary - May 2015. Collection method: clinical testing. Allele origin: germline. Not counted in ClinVar's aggregate classification.
Comment: Variant summary: BRCA1 c.5431C>T (p.Gln1811X) results in a premature termination codon, predicted to cause a truncation of the encoded protein or absence of the protein due to nonsense mediated decay, which are commonly known mechanisms for disease. Truncations downstream of this position have been classified as pathogenic by our laboratory (eg. c.5444G>A/p.Trp1815*, c.5470_5477delATTGGGCA). The variant was absent in 246268 control chromosomes (gnomAD). The variant, c.5431C>T, has been reported in the literature in multiple individuals affected with Hereditary Breast and Ovarian Cancer (Couch_2015, Fostira_2012, Siraj_2017). These data indicate that the variant is very likely to be associated with disease. To our knowledge, no experimental evidence demonstrating an impact on protein function has been reported. Multiple ClinVar submissions from clinical diagnostic laboratories (evaluation after 2014) cite the variant as "pathogenic." Based on the evidence outlined above, the variant was classified as pathogenic.

Quest Diagnostics Nichols Institute San Juan Capistrano
Classification: Pathogenic for Breast-ovarian cancer, familial, susceptibility to, 1. Last evaluated: 2015-10-10. Review status: criteria provided, single submitter. Criteria: Quest Diagnostics criteria. Collection method: clinical testing. Allele origin: germline. Inheritance: Autosomal dominant inheritance. Not counted in ClinVar's aggregate classification.

Consortium of Investigators of Modifiers of BRCA1/2 (CIMBA), c/o University of Cambridge
Classification: Pathogenic for Breast-ovarian cancer, familial, susceptibility to, 1. Last evaluated: 2015-10-02. Review status: criteria provided, single submitter. Criteria: CIMBA Mutation Classification guidelines May 2016. Collection method: clinical testing. Allele origin: germline. Not counted in ClinVar's aggregate classification.

Genesis Genomics
Classification: Pathogenic for Breast-ovarian cancer, familial, susceptibility to, 1. Review status: criteria provided, single submitter. Criteria: ACMG Guidelines, 2015. Collection method: clinical testing. Allele origin: germline. Affected: yes. Observed: 1 variant allele. Not counted in ClinVar's aggregate classification.

KCCC/NGS Laboratory, Kuwait Cancer Control Center
Classification: Pathogenic for Breast-ovarian cancer, familial, susceptibility to, 1. Last evaluated: 2023-05-05. Review status: no assertion criteria provided. Collection method: clinical testing. Allele origin: germline. Affected: yes. Not counted in ClinVar's aggregate classification.
Comment: A pathogenic variant was detected in BRCA1 gene. This pathogenic mutation (also known as c.5494C>T), located in coding exon 23 of the BRCA1 gene, results from a C to T substitution at nucleotide position 5494. This changes the amino acid from a glutamine to a stop codon within coding exon 23 . This alteration is expected to result in loss of function by premature protein truncation or nonsense-mediated mRNA decay. As such, this alteration is interpreted as a disease-causing mutation. his mutation has been reported in multiple individuals with hereditary breast and/or ovarian cancer (PMID: 11773283, 22434525, 10644434, 24010542, 26300996, 25452441, 16944269, 29752822, 30209399, 29446198, 30825404, 31209999, 29297111, 29805665, 30352249, 31825140). Multiple ClinVar submissions from clinical diagnostic laboratories (evaluation after 2014) cite the variant as "pathogenic." Based on the evidence outlined above, the variant was classified as pathogenic. This variant was confirmed by Sanger sequencing .

BRCAlab, Lund University
Classification: Pathogenic for Breast-ovarian cancer, familial, susceptibility to, 1. Last evaluated: 2020-03-02. Review status: no assertion criteria provided. Collection method: clinical testing. Allele origin: germline. Affected: yes. Not counted in ClinVar's aggregate classification.

Counsyl
Classification: Pathogenic for Breast-ovarian cancer, familial, susceptibility to, 1. Last evaluated: 2017-09-25. Review status: no assertion criteria provided. Collection method: clinical testing. Allele origin: unknown. Not counted in ClinVar's aggregate classification.

Brotman Baty Institute, University of Washington
No classification provided (evidence only). Condition: Breast-ovarian cancer, familial 1. Review status: no classification provided. Collection method: in vitro. Allele origin: not applicable. Functional consequence: function_uncertain_variant. Not counted in ClinVar's aggregate classification.
ClinVar note: "not provided" was previously submitted as the classification for the variant. However, the classification appeared to be based only on an observation of functional data so it was converted to no classification on 2025-07-30.

Laboratory of Urology, Hospital Clinic de Barcelona
Classification: Pathogenic for Malignant tumor of urinary bladder. Review status: no assertion criteria provided. Collection method: research. Allele origin: somatic. Affected: yes. Not counted in ClinVar's aggregate classification.

Literature cited by the submitters: PubMed 10644434 (cited by 4 submitters); PubMed 22434525 (cited by 3 submitters); PubMed 24010542 (cited by 3 submitters); PubMed 25452441 (cited by 4 submitters); PubMed 29446198 (cited by Labcorp Genetics (formerly Invitae), Labcorp and Ambry Genetics); PubMed 29752822 (cited by Labcorp Genetics (formerly Invitae), Labcorp and Ambry Genetics); PubMed 8554067 (cited by Labcorp Genetics (formerly Invitae), Labcorp); PubMed 8968102 (cited by Labcorp Genetics (formerly Invitae), Labcorp); PubMed 11739404 (cited by Labcorp Genetics (formerly Invitae), Labcorp); PubMed 12360400 (cited by Labcorp Genetics (formerly Invitae), Labcorp); PubMed 20104584 (cited by Labcorp Genetics (formerly Invitae), Labcorp and KCCC/NGS Laboratory, Kuwait Cancer Control Center); PubMed 26187060 (cited by Labcorp Genetics (formerly Invitae), Labcorp); PubMed 27553291 (cited by Labcorp Genetics (formerly Invitae), Labcorp); PubMed 28123851 (cited by Ambry Genetics); PubMed 29297111 (cited by Ambry Genetics); PubMed 29805665 (cited by Ambry Genetics); PubMed 30209399 (cited by Ambry Genetics); PubMed 31209999 (cited by Ambry Genetics); PubMed 11773283 (cited by Quest Diagnostics Nichols Institute San Juan Capistrano); PubMed 26295337 (cited by Quest Diagnostics Nichols Institute San Juan Capistrano).